The following is an entry in ClinVar:

NM_005477.3(HCN4):c.1385G>A (p.Gly462Glu)

Gene: HCN4 (hyperpolarization activated cyclic nucleotide gated potassium channel 4; minus strand). Cytogenetic location: 15q24.1.
Variant type: single nucleotide variant.
Coding change: c.1385G>A on transcript NM_005477.3 (MANE Select); coding-DNA position 1385, G replaced by A.
Protein change: p.Gly462Glu; replaces glycine 462 with glutamic acid.
Molecular consequence: missense variant.
Genome position (GRCh38, 1-based): chr15:73,329,778, C>T on the plus strand (G>A on the coding strand, the complement: HCN4 is on the minus strand). VCF-style: chr15-73329778-C-T. GRCh37 (hg19) VCF-style: chr15-73622119-C-T.
Other names: c.1385G>A (NM_005477.2); short protein forms G462E.
Identifiers: ClinVar variation 1696495 (VCV001696495.9), dbSNP rs146714274, ClinGen allele CA7649302.

ClinVar aggregate classification (germline): Uncertain significance. Review status: criteria provided, multiple submitters, no conflicts (2 of 4 stars). 3 submissions from 3 submitters: Uncertain significance (3). Last evaluated 2025-12-21.

Conditions:
Cardiovascular phenotype. Identifiers: MedGen CN230736.
Brugada syndrome 8 (BRGDA8). Identifiers: Orphanet 130, MedGen C2751083, MONDO:0013148, OMIM 613123.
Sick sinus syndrome 2, autosomal dominant (SSS2). Also called: SICK SINUS SYNDROME 2; SICK SINUS SYNDROME 2 WITH OR WITHOUT CARDIAC NONCOMPACTION AND/OR ASCENDING AORTA DILATION; SINUS BRADYCARDIA SYNDROME, FAMILIAL, AUTOSOMAL DOMINANT; SINUS NODE DISEASE, FAMILIAL, AUTOSOMAL DOMINANT; ATRIAL FIBRILLATION WITH BRADYARRHYTHMIA. Identifiers: Orphanet 166282, MedGen C1834144, MONDO:0008102, OMIM 163800.

Allele frequency attached by ClinVar (database versions not stated): gnomAD exomes below 0.00001; ExAC 0.00001; gnomAD 0.00002; TOPMed 0.00002; ESP Exome Variant Server 0.00008.
gnomAD v4.1: 3 of 1,613,574 alleles (0.00019%); highest among the groups gnomAD compares: African/African-American, 0.004%; no homozygotes.

Submissions (3):

Labcorp Genetics (formerly Invitae), Labcorp
Classification: Uncertain significance for Brugada syndrome 8. Last evaluated: 2025-12-21. Review status: criteria provided, single submitter. Criteria: Invitae Variant Classification Sherloc (09022015). Collection method: clinical testing. Allele origin: germline.
Comment: This sequence change replaces glycine, which is neutral and non-polar, with glutamic acid, which is acidic and polar, at codon 462 of the HCN4 protein (p.Gly462Glu). This variant is present in population databases (rs146714274, gnomAD 0.007%). This variant has not been reported in the literature in individuals affected with HCN4-related conditions. ClinVar contains an entry for this variant (Variation ID: 1696495). Invitae Evidence Modeling of protein sequence and biophysical properties (such as structural, functional, and spatial information, amino acid conservation, physicochemical variation, residue mobility, and thermodynamic stability) has been performed for this missense variant. However, the output from this modeling did not meet the statistical confidence thresholds required to predict the impact of this variant on HCN4 protein function. In summary, the available evidence is currently insufficient to determine the role of this variant in disease. Therefore, it has been classified as a Variant of Uncertain Significance.

Ambry Genetics
Classification: Uncertain significance for Cardiovascular phenotype. Last evaluated: 2025-11-26. Review status: criteria provided, single submitter. Criteria: Ambry Variant Classification Scheme 2023. Collection method: clinical testing. Allele origin: germline.

New York Genome Center
Classification: Uncertain significance for Sick sinus syndrome 2, autosomal dominant; Brugada syndrome 8. Last evaluated: 2021-07-23. Review status: criteria provided, single submitter. Criteria: NYGC Assertion Criteria 2020. Collection method: clinical testing. Allele origin: inherited. Observed: 1 heterozygote. Study: CSER-NYCKidSeq.